The following is an entry in ClinVar:

NM_000540.3(RYR1):c.5955C>T (p.Ser1985=)

Gene: RYR1 (ryanodine receptor 1; plus strand). Cytogenetic location: 19q13.2.
Variant type: single nucleotide variant.
Coding change: c.5955C>T on transcript NM_000540.3 (MANE Select); coding-DNA position 5955, C replaced by T.
Protein change: p.Ser1985=; no amino-acid change (serine 1985 retained).
Molecular consequence: synonymous variant.
Genome position (GRCh38, 1-based): chr19:38,490,216, C>T. VCF-style: chr19-38490216-C-T. GRCh37 (hg19) VCF-style: chr19-38980856-C-T.
Other names: c.5955C>T, p.Ser1985= (NM_001042723.2).
Identifiers: ClinVar variation 2435564 (VCV002435564.4), dbSNP rs1969490927, ClinGen allele CA507239332.

ClinVar aggregate classification (germline): Conflicting classifications of pathogenicity. Review status: criteria provided, conflicting classifications (1 of 4 stars). 2 submissions from 2 submitters: Uncertain significance (1); Likely benign (1). Last evaluated 2023-10-02.

Conditions:
Malignant hyperthermia, susceptibility to, 1 (MHS1). Also called: Anesthesia related hyperthermia; Malignant hyperpyrexia; Fulminating hyperpyrexia; Pharmacogenic myopathy; Malignant hyperthermia suceptibility 1; RYR1-Related Malignant Hyperthermia Susceptibility. Identifiers: Orphanet 423, MedGen C2930980, MONDO:0007783, OMIM 145600.

Allele frequency attached by ClinVar (database versions not stated): gnomAD 0.00001.
gnomAD v4.1: 1 of 1,614,082 alleles (0.000062%); highest among the groups gnomAD compares: African/African-American, 0.0013%; no homozygotes.

Submissions (2):

All of Us Research Program, National Institutes of Health
Classification: Likely benign for Malignant hyperthermia, susceptibility to, 1. Last evaluated: 2023-10-02. Review status: criteria provided, single submitter. Criteria: ACMG Guidelines, 2015. Collection method: clinical testing. Allele origin: germline. Inheritance: Autosomal dominant inheritance. Observed: 1 variant allele, 1 heterozygote.
Comment: This study involves interpretation of variants in research participants for the purpose of population health screening. Participant phenotype was not available at the time of variant classification. Additional details can be found in publication PMID: 35346344, PMCID: PMC8962531

Revvity Omics, Revvity
Classification: Uncertain significance. Last evaluated: 2019-11-20. Review status: criteria provided, single submitter. Criteria: ACMG Guidelines, 2015. Collection method: clinical testing. Allele origin: germline.